The following is an entry in ClinVar:

ClinVar aggregate classification (germline): Uncertain significance (0 of 4 stars; one submission).

Conditions:
SEMA3C-related disorder. Also called: SEMA3C-related condition.

Submission:

PreventionGenetics, part of Exact Sciences
Classification: Uncertain significance for SEMA3C-related condition. Last evaluated: 2023-12-29. Review status: no assertion criteria provided. Collection method: clinical testing. Allele origin: germline.
Comment: The SEMA3C c.488G>C variant is predicted to result in the amino acid substitution p.Gly163Ala. To our knowledge, this variant has not been reported in the literature or in a large population database, indicating this variant is rare. At this time, the clinical significance of this variant is uncertain due to the absence of conclusive functional and genetic evidence.

NM_006379.5(SEMA3C):c.434G>C (p.Gly145Ala)

Gene: SEMA3C (semaphorin 3C; minus strand). Cytogenetic location: 7q21.11.
Variant type: single nucleotide variant.
Coding change: c.434G>C on transcript NM_006379.5 (MANE Select); coding-DNA position 434, G replaced by C.
Protein change: p.Gly145Ala; replaces glycine 145 with alanine.
Molecular consequence: missense variant.
Genome position (GRCh38, 1-based): chr7:80,818,312, C>G on the plus strand (G>C on the coding strand, the complement: SEMA3C is on the minus strand). VCF-style: chr7-80818312-C-G. GRCh37 (hg19) VCF-style: chr7-80447628-C-G.
Other names: c.488G>C, p.Gly163Ala (NM_001350120.2); c.260G>C, p.Gly87Ala (NM_001350121.2); short protein forms G145A, G163A, G87A.
Identifiers: ClinVar variation 3350056 (VCV003350056.1).